The following is an entry in ClinVar:

ClinVar aggregate classification (germline): Uncertain significance. Review status: criteria provided, multiple submitters, no conflicts (2 of 4 stars). 2 submissions from 2 submitters: Uncertain significance (2). Last evaluated 2025-02-05.

Conditions:
Arrhythmogenic cardiomyopathy with wooly hair and keratoderma. Also called: PALMOPLANTAR KERATODERMA WITH LEFT VENTRICULAR CARDIOMYOPATHY AND WOOLLY HAIR; Carvajal syndrome; Dilated cardiomyopathy with woolly hair and keratoderma; Arrhythmogenic cardiomyopathy with woolly hair and keratoderma. Identifiers: Orphanet 65282, MedGen C1854063, MONDO:0011581, OMIM 605676.
Arrhythmogenic right ventricular dysplasia 8 (ARVD8). Also called: ARRHYTHMOGENIC RIGHT VENTRICULAR DYSPLASIA, FAMILIAL, 8; ARRHYTHMOGENIC RIGHT VENTRICULAR CARDIOMYOPATHY 8; Arrhythmogenic Right Ventricular Dysplasia/Cardiomyopathy 8. Identifiers: MedGen C1843896, MONDO:0011831, OMIM 607450.

Allele frequency attached by ClinVar (database versions not stated): gnomAD exomes below 0.00001; TOPMed below 0.00001.

Submissions (2):

Labcorp Genetics (formerly Invitae), Labcorp
Classification: Uncertain significance for Arrhythmogenic cardiomyopathy with wooly hair and keratoderma; Arrhythmogenic right ventricular dysplasia 8. Last evaluated: 2025-02-05. Review status: criteria provided, single submitter. Criteria: Invitae Variant Classification Sherloc (09022015). Collection method: clinical testing. Allele origin: germline.
Comment: This sequence change replaces arginine, which is basic and polar, with lysine, which is basic and polar, at codon 196 of the DSP protein (p.Arg196Lys). This variant is not present in population databases (gnomAD no frequency). This variant has not been reported in the literature in individuals affected with DSP-related conditions. ClinVar contains an entry for this variant (Variation ID: 3070657). An algorithm developed to predict the effect of missense changes on protein structure and function outputs the following: PolyPhen-2: "Benign". The lysine amino acid residue is found in multiple mammalian species, which suggests that this missense change does not adversely affect protein function. In summary, the available evidence is currently insufficient to determine the role of this variant in disease. Therefore, it has been classified as a Variant of Uncertain Significance.

All of Us Research Program, National Institutes of Health
Classification: Uncertain significance for Arrhythmogenic cardiomyopathy with wooly hair and keratoderma. Last evaluated: 2023-05-04. Review status: criteria provided, single submitter. Criteria: ACMG Guidelines, 2015. Collection method: clinical testing. Allele origin: germline. Inheritance: Autosomal dominant inheritance. Observed: 1 variant allele, 1 heterozygote.
Comment: This missense variant replaces arginine with lysine at codon 196 of the DSP protein. Computational prediction suggests that this variant may not impact protein structure and function (internally defined REVEL score threshold <= 0.5, PMID: 27666373). To our knowledge, functional studies have not been reported for this variant. This variant has not been reported in individuals affected with DSP-related disorders in the literature. This variant has not been identified in the general population by the Genome Aggregation Database (gnomAD). The available evidence is insufficient to determine the role of this variant in disease conclusively. Therefore, this variant is classified as a Variant of Uncertain Significance.

This study involves interpretation of variants in research participants for the purpose of population health screening. Participant phenotype was not available at the time of variant classification. Additional details can be found in publication PMID: 35346344, PMCID: PMC8962531

NM_004415.4(DSP):c.587G>A (p.Arg196Lys)

Gene: DSP (desmoplakin; plus strand). Cytogenetic location: 6p24.3.
Variant type: single nucleotide variant.
Coding change: c.587G>A on transcript NM_004415.4 (MANE Select); coding-DNA position 587, G replaced by A.
Protein change: p.Arg196Lys; replaces arginine 196 with lysine.
Molecular consequence: missense variant.
Genome position (GRCh38, 1-based): chr6:7,559,390, G>A. VCF-style: chr6-7559390-G-A. GRCh37 (hg19) VCF-style: chr6-7559623-G-A.
Other names: c.587G>A, p.Arg196Lys (NM_001008844.3, NM_001319034.2, NM_001406591.1); short protein forms R196K.
Identifiers: ClinVar variation 3070657 (VCV003070657.2), dbSNP rs1202655235, ClinGen allele CA362672862.